The following is an entry in ClinVar:

NM_001267550.2(TTN):c.67932dup (p.Gly22645fs)

Genes: TTN (titin; minus strand), TTN-AS1 (TTN antisense RNA 1; plus strand), LOC126806423 (CDK7 strongly-dependent group 2 enhancer GRCh37_chr2:179443309-179444508; plus strand). Cytogenetic location: 2q31.2.
Variant type: Duplication.
Coding change: c.67932dup on transcript NM_001267550.2 (MANE Select); coding-DNA position 67932, one base duplicated (T; older notation c.67932dupT).
Protein change: p.Gly22645fs; shifts the reading frame from glycine 22645.
Molecular consequence: frameshift variant.
Genome position (GRCh38, 1-based): chr2:178,579,098, A duplicated on the plus strand (T on the coding strand, the reverse complement: TTN is on the minus strand). VCF-style (leftmost placement, unchanged base first): chr2-178579097-C-CA. GRCh37 (hg19) VCF-style: chr2-179443824-C-CA.
Other names: c.63009dup, p.Gly21004fs (NM_001256850.1); c.40737dup, p.Gly13580fs (NM_003319.4); c.60228dup, p.Gly20077fs (NM_133378.4); c.41112dup, p.Gly13705fs (NM_133432.3); c.41313dup, p.Gly13772fs (NM_133437.4); c.40737dupT (NM_003319.4); short protein forms G13772fs, G13580fs, G20077fs, G21004fs, G13705fs, G22645fs.
Identifiers: ClinVar variation 3812232 (VCV003812232.1).

ClinVar aggregate classification (germline): Likely pathogenic (1 of 4 stars; one submission).

Conditions:
Cardiovascular phenotype. Identifiers: MedGen CN230736.

Submission:

Ambry Genetics
Classification: Likely pathogenic for Cardiovascular phenotype. Last evaluated: 2025-01-05. Review status: criteria provided, single submitter. Criteria: Ambry Variant Classification Scheme 2023. Collection method: clinical testing. Allele origin: germline.
Comment: The c.40737dupT variant, located in coding exon 147 of the TTN gene, results from a duplication of T at nucleotide position 40737, causing a translational frameshift with a predicted alternate stop codon (p.G13580Wfs*10). This exon is located in the A-band region of the N2-B isoform of the titin protein and is constitutively expressed in TTN transcripts (percent spliced in or PSI 100%). This variant is considered to be rare based on population cohorts in the Genome Aggregation Database (gnomAD). This alteration is expected to result in loss of function by premature protein truncation or nonsense-mediated mRNA decay. While truncating variants in TTN are present in 1-3% of the general population, truncating variants in the A-band are the most common cause of dilated cardiomyopathy (DCM) (Herman DS et al. N. Engl. J. Med., 2012 Feb;366:619-28; Roberts AM et al. Sci Transl Med, 2015 Jan;7:270ra6). TTN truncating variants encoded in constitutive exons (PSI >90%) have been found to be significantly associated with DCM regardless of their position in titin (Schafer S et al. Nat. Genet., 2017 01;49:46-53). Based on the majority of available evidence to date, this variant is likely to be pathogenic.